The following is an entry in ClinVar:

ClinVar aggregate classification (germline): Pathogenic (1 of 4 stars; one submission).

Conditions:
Bifunctional peroxisomal enzyme deficiency (DBIF). Also called: DBP DEFICIENCY; PBFE DEFICIENCY; D-bifunctional protein deficiency. Identifiers: Orphanet 300, MedGen C0342870, MONDO:0009855, OMIM 261515. Disease mechanism: loss of function.
Perrault syndrome. Also called: Gonadal dysgenesis with auditory dysfunction, autosomal recessive inheritance. Identifiers: Orphanet 2855, MedGen C0685838, MONDO:0017312.

Submission:

Labcorp Genetics (formerly Invitae), Labcorp
Classification: Pathogenic for Perrault syndrome; Bifunctional peroxisomal enzyme deficiency. Last evaluated: 2019-11-29. Review status: criteria provided, single submitter. Criteria: Invitae Variant Classification Sherloc (09022015). Collection method: clinical testing. Allele origin: germline.
Comment: This sequence change creates a premature translational stop signal (p.Gln383*) in the HSD17B4 gene. It is expected to result in an absent or disrupted protein product. This variant is not present in population databases (ExAC no frequency). This variant has not been reported in the literature in individuals with HSD17B4-related conditions. Loss-of-function variants in HSD17B4 are known to be pathogenic (PMID: 11810648, 16385454). For these reasons, this variant has been classified as Pathogenic.

Literature cited by the submitters: PubMed 11810648; PubMed 16385454.

NM_000414.4(HSD17B4):c.1147C>T (p.Gln383Ter)

Gene: HSD17B4 (hydroxysteroid 17-beta dehydrogenase 4; plus strand). Cytogenetic location: 5q23.1.
Variant type: single nucleotide variant.
Coding change: c.1147C>T on transcript NM_000414.4 (MANE Select); coding-DNA position 1147, C replaced by T.
Protein change: p.Gln383Ter; replaces glutamine 383 with a stop codon.
Molecular consequence: nonsense. On other transcripts: non-coding transcript variant (2).
Genome position (GRCh38, 1-based): chr5:119,499,491, C>T. VCF-style: chr5-119499491-C-T. GRCh37 (hg19) VCF-style: chr5-118835186-C-T.
Other names: c.1222C>T, p.Gln408Ter (NM_001199291.3); c.1093C>T, p.Gln365Ter (NM_001199292.2); c.1075C>T, p.Gln359Ter (NM_001292027.2); c.727C>T, p.Gln243Ter (NM_001292028.2); c.1138C>T, p.Gln380Ter (NM_001374497.1); c.1147C>T, p.Gln383Ter (NM_001374498.1); c.820C>T, p.Gln274Ter (NM_001374499.1); c.706C>T, p.Gln236Ter (NM_001374500.1); and 1 more; short protein forms Q380*, Q383*, Q236*, Q408*, Q243*, Q246*, Q274*, Q359*.
Identifiers: ClinVar variation 861128 (VCV000861128.7), dbSNP rs1750958514, ClinGen allele CA360868226.